The following is an entry in ClinVar:

NM_001353345.2(SETD1B):c.3918C>G (p.Asp1306Glu)

Gene: SETD1B (SET domain containing 1B, histone lysine methyltransferase; plus strand). Cytogenetic location: 12q24.31.
Variant type: single nucleotide variant.
Coding change: c.3918C>G on transcript NM_001353345.2 (MANE Select); coding-DNA position 3918, C replaced by G.
Protein change: p.Asp1306Glu; replaces aspartic acid 1306 with glutamic acid.
Molecular consequence: missense variant.
Genome position (GRCh38, 1-based): chr12:121,822,497, C>G. VCF-style: chr12-121822497-C-G. GRCh37 (hg19) VCF-style: chr12-122260403-C-G.
Other names: short protein forms D1306E.
Identifiers: ClinVar variation 2643467 (VCV002643467.24), dbSNP rs1341758813, ClinGen allele CA386997960.

ClinVar aggregate classification (germline): Likely benign (1 of 4 stars; one submission).

Allele frequency attached by ClinVar (database versions not stated): TOPMed below 0.00001; gnomAD 0.00001.

Submission:

CeGaT Center for Human Genetics Tuebingen
Classification: Likely benign. Last evaluated: 2023-01-01. Review status: criteria provided, single submitter. Criteria: CeGaT Center For Human Genetics Tuebingen Variant Classification Criteria Version 2. Collection method: clinical testing. Allele origin: germline. Affected: yes. Observed: 1 variant allele.
Comment: SETD1B: PP2, BP4, BS2